The following is an entry in ClinVar:

NM_000444.6(PHEX):c.682_683del (p.Ser228fs)

Gene: PHEX (phosphate regulating endopeptidase X-linked; plus strand). Cytogenetic location: Xp22.11.
Variant type: Microsatellite.
Coding change: c.682_683del on transcript NM_000444.6 (MANE Select); coding-DNA positions 682 to 683, 2 bases deleted (TC; older notation c.682_683delTC).
Protein change: p.Ser228fs; shifts the reading frame from serine 228.
Molecular consequence: frameshift variant.
Genome position (GRCh38, 1-based): chrX:22,090,447-22,090,448, TC deleted; deleting any 2 consecutive bases within chrX:22,090,444-22,090,448 gives the same sequence; the c. name uses the placement nearest the transcript's 3' end. VCF-style (leftmost placement, unchanged base first): chrX-22090443-ACT-A. GRCh37 (hg19) VCF-style: chrX-22108561-ACT-A.
Other names: c.682_683del, p.Ser228fs (NM_001282754.2); short protein forms S228fs.
Identifiers: ClinVar variation 419563 (VCV000419563.7), dbSNP rs1064793956, ClinGen allele CA16621314.

ClinVar aggregate classification (germline): Pathogenic. Review status: criteria provided, multiple submitters, no conflicts (2 of 4 stars). 4 submissions from 4 submitters: Pathogenic (3). 1 of the submissions does not count toward it. Last evaluated 2025-02-17.

Conditions:
Familial X-linked hypophosphatemic vitamin D refractory rickets (XLHRD). Also called: Hypophosphatemic Rickets, X-Linked Dominant; Hypophosphatemia, vitamin D-resistant rickets; Vitamin D-resistant rickets, X-linked; X-Linked Hypophosphatemia; HYPOPHOSPHATEMIC VITAMIN D-RESISTANT RICKETS. Identifiers: Orphanet 89936, MedGen C0733682, MONDO:0010619, OMIM 307800.

Submissions (4):

Labcorp Genetics (formerly Invitae), Labcorp
Classification: Pathogenic. Last evaluated: 2025-02-17. Review status: criteria provided, single submitter. Criteria: Invitae Variant Classification Sherloc (09022015). Collection method: clinical testing. Allele origin: germline.
Comment: This sequence change creates a premature translational stop signal (p.Ser228Profs*9) in the PHEX gene. It is expected to result in an absent or disrupted protein product. Loss-of-function variants in PHEX are known to be pathogenic (PMID: 9097956, 9106524, 19219621). This variant is not present in population databases (gnomAD no frequency). This premature translational stop signal has been observed in individual(s) with X-linked hypophosphatemic rickets (PMID: 21553362). This variant is also known as 682delTC. For these reasons, this variant has been classified as Pathogenic.

GeneDx
Classification: Pathogenic. Last evaluated: 2015-08-12. Review status: criteria provided, single submitter. Criteria: GeneDx Variant Classification (06012015). Collection method: clinical testing. Allele origin: germline. Affected: yes.
Comment: The c.682_683delTC deletion in the PHEX gene has been reported previously in association with X-Linked hypophosphatemic rickets (Francis et al., 1995). The deletion causes a frameshift starting with codon Serine 228, changes this amino acid to a Proline residue and creates a premature Stop codon at position 9 of the new reading frame, denoted p.Ser228ProfsX9. This deletion is predicted to cause loss of normal protein function either through protein truncation or nonsense-mediated mRNA decay. Therefore, we interpret the c.682_683delTC variant as pathogenic.

Institute of Human Genetics Munich, TUM University Hospital
Classification: Pathogenic for Familial X-linked hypophosphatemic vitamin D refractory rickets. Last evaluated: 2013-10-28. Review status: criteria provided, single submitter. Criteria: Classification criteria August 2017. Collection method: clinical testing. Allele origin: germline. Inheritance: X-linked inheritance. Affected: yes. Observed: 2 heterozygotes.

OMIM
Classification: Pathogenic for HYPOPHOSPHATEMIC RICKETS, X-LINKED DOMINANT. Last evaluated: 1995-10-01. Review status: no assertion criteria provided. Collection method: literature only. Allele origin: germline. Not counted in ClinVar's aggregate classification.

Literature cited by the submitters: PubMed 9097956 (cited by Labcorp Genetics (formerly Invitae), Labcorp); PubMed 9106524 (cited by Labcorp Genetics (formerly Invitae), Labcorp); PubMed 19219621 (cited by Labcorp Genetics (formerly Invitae), Labcorp); PubMed 21553362 (cited by Labcorp Genetics (formerly Invitae), Labcorp); PubMed 9199930 (cited by Institute of Human Genetics Munich, TUM University Hospital); PubMed 7550339 (cited by Institute of Human Genetics Munich, TUM University Hospital and OMIM).